The following is an entry in ClinVar:

ClinVar aggregate classification (germline): Uncertain significance. Review status: criteria provided, multiple submitters, no conflicts (2 of 4 stars). 2 submissions from 2 submitters: Uncertain significance (2). Last evaluated 2026-02-11.

Conditions:
Neurofibromatosis, type 1 (NF1). Also called: VON RECKLINGHAUSEN DISEASE; Peripheral type neurofibromatosis; NEUROFIBROMATOSIS, TYPE I, SOMATIC; Neurofibromatosis, type I. Identifiers: Orphanet 636, MedGen C0027831, MONDO:0018975, OMIM 162200. Disease mechanism: loss of function.

Submissions (2):

Institute of Human Genetics, University of Leipzig Medical Center
Classification: Uncertain significance for Neurofibromatosis, type 1. Last evaluated: 2026-02-11. Review status: criteria provided, single submitter. Criteria: ACMG Guidelines, 2015. Collection method: clinical testing. Allele origin: unknown. Inheritance: Autosomal dominant inheritance. Affected: yes.
Comment: Criteria applied: PM2, PP3

Labcorp Genetics (formerly Invitae), Labcorp
Classification: Uncertain significance for Neurofibromatosis, type 1. Last evaluated: 2024-09-08. Review status: criteria provided, single submitter. Criteria: Invitae Variant Classification Sherloc (09022015). Collection method: clinical testing. Allele origin: germline.
Comment: This sequence change replaces asparagine, which is neutral and polar, with tyrosine, which is neutral and polar, at codon 1156 of the NF1 protein (p.Asn1156Tyr). This variant is not present in population databases (gnomAD no frequency). This variant has not been reported in the literature in individuals affected with NF1-related conditions. Invitae Evidence Modeling of protein sequence and biophysical properties (such as structural, functional, and spatial information, amino acid conservation, physicochemical variation, residue mobility, and thermodynamic stability) indicates that this missense variant is expected to disrupt NF1 protein function with a positive predictive value of 95%. In summary, the available evidence is currently insufficient to determine the role of this variant in disease. Therefore, it has been classified as a Variant of Uncertain Significance.

NM_001042492.3(NF1):c.3466A>T (p.Asn1156Tyr)

Gene: NF1 (neurofibromin 1; plus strand). Cytogenetic location: 17q11.2.
Variant type: single nucleotide variant.
Coding change: c.3466A>T on transcript NM_001042492.3 (MANE Select); coding-DNA position 3466, A replaced by T.
Protein change: p.Asn1156Tyr; replaces asparagine 1156 with tyrosine.
Molecular consequence: missense variant.
Genome position (GRCh38, 1-based): chr17:31,232,851, A>T. VCF-style: chr17-31232851-A-T. GRCh37 (hg19) VCF-style: chr17-29559869-A-T.
Other names: c.3466A>T, p.Asn1156Tyr (NM_000267.4); short protein forms N1156Y.
Identifiers: ClinVar variation 3634533 (VCV003634533.3).